The following is an entry in ClinVar:

NM_153676.4(USH1C):c.448G>T (p.Val150Phe)

Gene: USH1C (USH1 protein network component harmonin; minus strand). Cytogenetic location: 11p15.1.
Variant type: single nucleotide variant.
Coding change: c.448G>T on transcript NM_153676.4 (MANE Select); coding-DNA position 448, G replaced by T.
Protein change: p.Val150Phe; replaces valine 150 with phenylalanine.
Molecular consequence: missense variant. On other transcripts: non-coding transcript variant (1).
Genome position (GRCh38, 1-based): chr11:17,527,271, C>A on the plus strand (G>T on the coding strand, the complement: USH1C is on the minus strand). VCF-style: chr11-17527271-C-A. GRCh37 (hg19) VCF-style: chr11-17548818-C-A.
Other names: c.448G>T, p.Val150Phe (NM_001297764.2, NM_001440680.1, NM_001440681.1 and 5 more transcripts); c.481G>T, p.Val161Phe (NM_001440679.1, NM_001440684.1, NM_001440686.1); short protein forms V150F, V161F.
Identifiers: ClinVar variation 4685173 (VCV004685173.1).

ClinVar aggregate classification (germline): Uncertain significance (1 of 4 stars; one submission).

gnomAD v4.1: 1 of 1,612,504 alleles (0.000062%); highest among the groups gnomAD compares: Non-Finnish European, 0.000085%; no homozygotes.

Submission:

GeneDx
Classification: Uncertain significance. Last evaluated: 2025-07-07. Review status: criteria provided, single submitter. Criteria: GeneDx Variant Classification Process June 2021. Collection method: clinical testing. Allele origin: germline. Affected: yes.
Comment: Not observed at significant frequency in large population cohorts (gnomAD); In silico analysis suggests that this missense variant does not alter protein structure/function; Has not been previously published as pathogenic or benign to our knowledge